The following is an entry in ClinVar:

ClinVar aggregate classification (germline): Benign/Likely benign. Review status: criteria provided, multiple submitters, no conflicts (2 of 4 stars). 2 submissions from 2 submitters: Benign (1); Likely benign (1). Last evaluated 2026-08-17.

Conditions:
DICER1-related tumor predisposition. Also called: DICER1-related pleuropulmonary blastoma cancer predisposition syndrome; DICER1 syndrome. Identifiers: Orphanet 284343, MedGen C3839822, MONDO:0100216.

Submissions (2):

Myriad Genetics, Inc.
Classification: Benign for DICER1-related tumor predisposition. Last evaluated: 2026-08-17. Review status: criteria provided, single submitter. Criteria: Myriad Autosomal Dominant, Autosomal Recessive and X-Linked Classification Criteria (2023). Collection method: clinical testing. Allele origin: unknown.
Comment: This variant is considered benign. This variant is a silent/synonymous amino acid change and it is not expected to impact splicing.

Labcorp Genetics (formerly Invitae), Labcorp
Classification: Likely benign for DICER1-related tumor predisposition. Last evaluated: 2024-01-14. Review status: criteria provided, single submitter. Criteria: Invitae Variant Classification Sherloc (09022015). Collection method: clinical testing. Allele origin: germline.

NM_177438.3(DICER1):c.2886C>T (p.Ser962=)

Gene: DICER1 (dicer 1, ribonuclease III; minus strand). Cytogenetic location: 14q32.13.
Variant type: single nucleotide variant.
Coding change: c.2886C>T on transcript NM_177438.3 (MANE Select); coding-DNA position 2886, C replaced by T.
Protein change: p.Ser962=; no amino-acid change (serine 962 retained).
Molecular consequence: synonymous variant. On other transcripts: non-coding transcript variant (6).
Genome position (GRCh38, 1-based): chr14:95,106,142, G>A on the plus strand (C>T on the coding strand, the complement: DICER1 is on the minus strand). VCF-style: chr14-95106142-G-A. GRCh37 (hg19) VCF-style: chr14-95572479-G-A.
Other names: c.2886C>T, p.Ser962= (NM_001195573.1, NM_001271282.3, NM_001291628.2 and 13 more transcripts); c.2604C>T, p.Ser868= (NM_001395686.1); c.2481C>T, p.Ser827= (NM_001395687.1, NM_001395688.1, NM_001395689.1 and 2 more transcripts); c.2319C>T, p.Ser773= (NM_001395691.1); c.1203C>T, p.Ser401= (NM_001395697.1).
Identifiers: ClinVar variation 2792251 (VCV002792251.4), dbSNP rs2542788237, ClinGen allele CA487844694.